The following is an entry in ClinVar:

ClinVar aggregate classification (germline): Benign/Likely benign. Review status: criteria provided, multiple submitters, no conflicts (2 of 4 stars). 3 submissions from 3 submitters: Benign (1); Likely benign (2). Last evaluated 2026-07-09.

Conditions:
Rhabdoid tumor predisposition syndrome 2 (RTPS2). Identifiers: Orphanet 231108, Orphanet 69077, MedGen C2750074, MONDO:0013224, OMIM 613325.
Hereditary cancer-predisposing syndrome. Also called: Hereditary neoplastic syndrome; Neoplastic Syndromes, Hereditary; Tumor predisposition; Hereditary Cancer Syndrome. Identifiers: Orphanet 140162, MedGen C0027672, MeSH D009386, MONDO:0015356.

Allele frequency attached by ClinVar (database versions not stated): TOPMed 0.00001; gnomAD 0.00001.

Submissions (3):

Myriad Genetics, Inc.
Classification: Benign for Rhabdoid tumor predisposition syndrome 2. Last evaluated: 2026-07-09. Review status: criteria provided, single submitter. Criteria: Myriad Autosomal Dominant, Autosomal Recessive and X-Linked Classification Criteria (2023). Collection method: clinical testing. Allele origin: unknown.
Comment: This variant is considered benign. This variant is a silent/synonymous amino acid change and it is not expected to impact splicing.

Labcorp Genetics (formerly Invitae), Labcorp
Classification: Likely benign for Rhabdoid tumor predisposition syndrome 2. Last evaluated: 2024-11-12. Review status: criteria provided, single submitter. Criteria: Invitae Variant Classification Sherloc (09022015). Collection method: clinical testing. Allele origin: germline.

Ambry Genetics
Classification: Likely benign for Hereditary cancer-predisposing syndrome. Last evaluated: 2019-05-03. Review status: criteria provided, single submitter. Criteria: Ambry Variant Classification Scheme 2023. Collection method: clinical testing. Allele origin: germline.

NM_003072.5(SMARCA4):c.912C>T (p.Pro304=)

Gene: SMARCA4 (SWI/SNF related BAF chromatin remodeling complex subunit ATPase 4; plus strand). Cytogenetic location: 19p13.2.
Variant type: single nucleotide variant.
Coding change: c.912C>T on transcript NM_003072.5 (MANE Select); coding-DNA position 912, C replaced by T.
Protein change: p.Pro304=; no amino-acid change (proline 304 retained).
Molecular consequence: synonymous variant. On other transcripts: non-coding transcript variant (1).
Genome position (GRCh38, 1-based): chr19:10,987,718, C>T. VCF-style: chr19-10987718-C-T. GRCh37 (hg19) VCF-style: chr19-11098394-C-T.
Other names: c.912C>T, p.Pro304= (NM_001128844.3, NM_001128845.2, NM_001128846.2 and 4 more transcripts).
Identifiers: ClinVar variation 760998 (VCV000760998.13), dbSNP rs979977924, ClinGen allele CA305287411.